The following is an entry in ClinVar:

NM_025114.4(CEP290):c.6032G>A (p.Arg2011Gln)

Gene: CEP290 (centrosomal protein 290; minus strand). Cytogenetic location: 12q21.32.
Variant type: single nucleotide variant.
Coding change: c.6032G>A on transcript NM_025114.4 (MANE Select); coding-DNA position 6032, G replaced by A.
Protein change: p.Arg2011Gln; replaces arginine 2011 with glutamine.
Molecular consequence: missense variant.
Genome position (GRCh38, 1-based): chr12:88,068,625, C>T on the plus strand (G>A on the coding strand, the complement: CEP290 is on the minus strand). VCF-style: chr12-88068625-C-T. GRCh37 (hg19) VCF-style: chr12-88462402-C-T.
Other names: short protein forms R2011Q.
Identifiers: ClinVar variation 2146864 (VCV002146864.1), dbSNP rs773022969, ClinGen allele CA6711587.

ClinVar aggregate classification (germline): Uncertain significance (1 of 4 stars; one submission).

Conditions:
Joubert syndrome. Also called: CEREBELLOPARENCHYMAL DISORDER IV; JOUBERT-BOLTSHAUSER SYNDROME; Familial aplasia of the vermis. Identifiers: Orphanet 475, MedGen C5979921, MONDO:0018772.
Nephronophthisis. Also called: Juvenile Nephronophthisis. Identifiers: Orphanet 655, MedGen C0687120, MONDO:0019005, HP:0000090.
Meckel-Gruber syndrome. Also called: DYSENCEPHALIA SPLANCHNOCYSTICA; GRUBER SYNDROME; Dysencephalia splachnocystica. Identifiers: Orphanet 564, MedGen C0265215, MONDO:0018921.

Allele frequency attached by ClinVar (database versions not stated): gnomAD 0.00001; gnomAD exomes 0.00001; TOPMed 0.00001; ExAC 0.00002.
gnomAD v4.1: 9 of 1,592,994 alleles (0.00056%); highest among the groups gnomAD compares: South Asian, 0.0024%; no homozygotes.

Submission:

Labcorp Genetics (formerly Invitae), Labcorp
Classification: Uncertain significance for Joubert syndrome; Meckel-Gruber syndrome; Nephronophthisis. Last evaluated: 2022-10-04. Review status: criteria provided, single submitter. Criteria: Invitae Variant Classification Sherloc (09022015). Collection method: clinical testing. Allele origin: germline.
Comment: This sequence change replaces arginine, which is basic and polar, with glutamine, which is neutral and polar, at codon 2011 of the CEP290 protein (p.Arg2011Gln). This variant is present in population databases (rs773022969, gnomAD 0.0009%). This variant has not been reported in the literature in individuals affected with CEP290-related conditions. Advanced modeling of protein sequence and biophysical properties (such as structural, functional, and spatial information, amino acid conservation, physicochemical variation, residue mobility, and thermodynamic stability) has been performed at Invitae for this missense variant, however the output from this modeling did not meet the statistical confidence thresholds required to predict the impact of this variant on CEP290 protein function. In summary, the available evidence is currently insufficient to determine the role of this variant in disease. Therefore, it has been classified as a Variant of Uncertain Significance.